The following is an entry in ClinVar:

ClinVar aggregate classification (germline): Uncertain significance (1 of 4 stars; one submission).

Conditions:
Ataxia-telangiectasia syndrome (AT). Also called: Ataxia-telangiectasia, complementation group D; AT, COMPLEMENTATION GROUP C; ATAXIA-TELANGIECTASIA, COMPLEMENTATION GROUP A; ATAXIA-TELANGIECTASIA, FRESNO VARIANT; Ataxia telangiectasia (A-T); Ataxia-telangiectasia. Identifiers: Orphanet 100, MedGen C0004135, MONDO:0008840, OMIM 208900.

Submission:

Labcorp Genetics (formerly Invitae), Labcorp
Classification: Uncertain significance for Ataxia-telangiectasia syndrome. Last evaluated: 2022-01-27. Review status: criteria provided, single submitter. Criteria: Invitae Variant Classification Sherloc (09022015). Collection method: clinical testing. Allele origin: germline.
Comment: In summary, the available evidence is currently insufficient to determine the role of this variant in disease. Therefore, it has been classified as a Variant of Uncertain Significance. Advanced modeling of protein sequence and biophysical properties (such as structural, functional, and spatial information, amino acid conservation, physicochemical variation, residue mobility, and thermodynamic stability) performed at Invitae indicates that this missense variant is not expected to disrupt ATM protein function. This variant has not been reported in the literature in individuals affected with ATM-related conditions. This variant is not present in population databases (gnomAD no frequency). This sequence change replaces leucine, which is neutral and non-polar, with proline, which is neutral and non-polar, at codon 606 of the ATM protein (p.Leu606Pro).

NM_000051.4(ATM):c.1817T>C (p.Leu606Pro)

Gene: ATM (ATM serine/threonine kinase; plus strand). Cytogenetic location: 11q22.3.
Variant type: single nucleotide variant.
Coding change: c.1817T>C on transcript NM_000051.4 (MANE Select); coding-DNA position 1817, T replaced by C.
Protein change: p.Leu606Pro; replaces leucine 606 with proline.
Molecular consequence: missense variant.
Genome position (GRCh38, 1-based): chr11:108,252,831, T>C. VCF-style: chr11-108252831-T-C. GRCh37 (hg19) VCF-style: chr11-108123558-T-C.
Other names: c.1817T>C, p.Leu606Pro (NM_001351834.2); short protein forms L606P.
Identifiers: ClinVar variation 2090285 (VCV002090285.4), dbSNP rs2135352867, ClinGen allele CA382535741.